The following is an entry in ClinVar:

ClinVar aggregate classification (germline): Uncertain significance. Review status: criteria provided, multiple submitters, no conflicts (2 of 4 stars). 2 submissions from 2 submitters: Uncertain significance (2). Last evaluated 2025-06-14.

Conditions:
Hereditary nonpolyposis colorectal neoplasms. Identifiers: MedGen C0009405, MeSH D003123.
Hereditary cancer-predisposing syndrome. Also called: Tumor predisposition; Neoplastic Syndromes, Hereditary; Hereditary neoplastic syndrome; Hereditary Cancer Syndrome. Identifiers: Orphanet 140162, MedGen C0027672, MeSH D009386, MONDO:0015356.

Submissions (2):

Ambry Genetics
Classification: Uncertain significance for Hereditary cancer-predisposing syndrome. Last evaluated: 2025-06-14. Review status: criteria provided, single submitter. Criteria: Ambry Variant Classification Scheme 2023. Collection method: clinical testing. Allele origin: germline.
Comment: The p.N324K variant (also known as c.972C>G), located in coding exon 9 of the PMS2 gene, results from a C to G substitution at nucleotide position 972. The asparagine at codon 324 is replaced by lysine, an amino acid with similar properties. This amino acid position is highly conserved in available vertebrate species. In addition, the in silico prediction for this alteration is inconclusive. Based on the available evidence, the clinical significance of this variant remains unclear.

Labcorp Genetics (formerly Invitae), Labcorp
Classification: Uncertain significance for Hereditary nonpolyposis colorectal neoplasms. Last evaluated: 2024-05-10. Review status: criteria provided, single submitter. Criteria: Invitae Variant Classification Sherloc (09022015). Collection method: clinical testing. Allele origin: germline.
Comment: This sequence change replaces asparagine, which is neutral and polar, with lysine, which is basic and polar, at codon 324 of the PMS2 protein (p.Asn324Lys). This variant is not present in population databases (gnomAD no frequency). This variant has not been reported in the literature in individuals affected with PMS2-related conditions. ClinVar contains an entry for this variant (Variation ID: 1512648). Advanced modeling of protein sequence and biophysical properties (such as structural, functional, and spatial information, amino acid conservation, physicochemical variation, residue mobility, and thermodynamic stability) performed at Invitae indicates that this missense variant is expected to disrupt PMS2 protein function with a positive predictive value of 80%. In summary, the available evidence is currently insufficient to determine the role of this variant in disease. Therefore, it has been classified as a Variant of Uncertain Significance.

NM_000535.7(PMS2):c.972C>G (p.Asn324Lys)

Gene: PMS2 (PMS1 homolog 2, mismatch repair system component; minus strand). Cytogenetic location: 7p22.1.
Variant type: single nucleotide variant.
Coding change: c.972C>G on transcript NM_000535.7 (MANE Select); coding-DNA position 972, C replaced by G.
Protein change: p.Asn324Lys; replaces asparagine 324 with lysine.
Molecular consequence: missense variant. On other transcripts: non-coding transcript variant (1).
Genome position (GRCh38, 1-based): chr7:5,991,989, G>C on the plus strand (C>G on the coding strand, the complement: PMS2 is on the minus strand). VCF-style: chr7-5991989-G-C. GRCh37 (hg19) VCF-style: chr7-6031620-G-C.
Other names: c.567C>G, p.Asn189Lys (NM_001322003.2, NM_001322004.2, NM_001322005.2 and 2 more transcripts); c.972C>G, p.Asn324Lys (NM_001322006.2, NM_001322014.2); c.654C>G, p.Asn218Lys (NM_001322007.2, NM_001322008.2); c.39C>G, p.Asn13Lys (NM_001322011.2, NM_001322012.2); c.399C>G, p.Asn133Lys (NM_001322013.2); c.663C>G, p.Asn221Lys (NM_001322015.2); c.972C>G (NM_000535.5); short protein forms N13K, N324K, N189K, N218K, N133K, N221K.
Identifiers: ClinVar variation 1512648 (VCV001512648.7), dbSNP rs182085259, ClinGen allele CA366743089.
Genomic context (GRCh38, chr7:5,991,989, plus strand): 5'-GAGGCATTAGTCACTAGTTGTACTGAAATGCCAATGGAACTTACCTGAATCAACAGAAAT[G>C]TTAAGAACAACAAATGGATACTGGTGTCGATTATACATGTGGTAGACCTCATTCACGAGT-3'
Protein context (NP_000526.2, residues 314-334): NRHQYPFVVL[Asn324Lys]ISVDSECVDI